The following is an entry in ClinVar:

NM_001042492.3(NF1):c.2907G>T (p.Lys969Asn)

Gene: NF1 (neurofibromin 1; plus strand). Cytogenetic location: 17q11.2.
Variant type: single nucleotide variant.
Coding change: c.2907G>T on transcript NM_001042492.3 (MANE Select); coding-DNA position 2907, G replaced by T.
Protein change: p.Lys969Asn; replaces lysine 969 with asparagine.
Molecular consequence: missense variant.
Genome position (GRCh38, 1-based): chr17:31,229,891, G>T. VCF-style: chr17-31229891-G-T. GRCh37 (hg19) VCF-style: chr17-29556909-G-T.
Other names: c.2907G>T, p.Lys969Asn (NM_000267.4); short protein forms K969N.
Identifiers: ClinVar variation 2452267 (VCV002452267.3), dbSNP rs2151430631, ClinGen allele CA398986152.
Genomic context (GRCh38, chr17:31,229,891, plus strand): 5'-TTAGGTTTTATTGACTGATACCAATACTCAATTTGTAGAACAAACCATAGCTATAATGAA[G>T]AACTTGCTAGATAATCATACTGAAGGCAGCTCTGAACATCTAGGGCAAGCTAGCATTGAA-3'
Protein context (NP_001035957.1, residues 959-979): QFVEQTIAIM[Lys969Asn]NLLDNHTEGS

ClinVar aggregate classification (germline): Uncertain significance (1 of 4 stars; one submission).

Conditions:
Hereditary cancer-predisposing syndrome. Also called: Neoplastic Syndromes, Hereditary; Tumor predisposition; Hereditary neoplastic syndrome; Hereditary Cancer Syndrome. Identifiers: Orphanet 140162, MedGen C0027672, MeSH D009386, MONDO:0015356.
Cardiovascular phenotype. Identifiers: MedGen CN230736.

Submission:

Ambry Genetics
Classification: Uncertain significance for Cardiovascular phenotype; Hereditary cancer-predisposing syndrome. Last evaluated: 2025-07-01. Review status: criteria provided, single submitter. Criteria: Ambry Variant Classification Scheme 2023. Collection method: clinical testing. Allele origin: germline.
Comment: The p.K969N variant (also known as c.2907G>T), located in coding exon 22 of the NF1 gene, results from a G to T substitution at nucleotide position 2907. The lysine at codon 969 is replaced by asparagine, an amino acid with similar properties. This amino acid position is conserved. In addition, the in silico prediction for this alteration is inconclusive. Since supporting evidence is limited at this time, the clinical significance of this alteration remains unclear.